The following is an entry in ClinVar:

ClinVar aggregate classification (germline): Uncertain significance (1 of 4 stars; one submission).

Conditions:
Hereditary cancer-predisposing syndrome. Also called: Neoplastic Syndromes, Hereditary; Tumor predisposition; Hereditary neoplastic syndrome; Hereditary Cancer Syndrome. Identifiers: Orphanet 140162, MedGen C0027672, MeSH D009386, MONDO:0015356.

Submission:

Ambry Genetics
Classification: Uncertain significance for Hereditary cancer-predisposing syndrome. Last evaluated: 2023-12-21. Review status: criteria provided, single submitter. Criteria: Ambry Variant Classification Scheme 2023. Collection method: clinical testing. Allele origin: germline.
Comment: The p.K732Q variant (also known as c.2194A>C), located in coding exon 20 of the POLE gene, results from an A to C substitution at nucleotide position 2194. The lysine at codon 732 is replaced by glutamine, an amino acid with similar properties. This amino acid position is conserved. In addition, this alteration is predicted to be tolerated by in silico analysis. Since supporting evidence is limited at this time, the clinical significance of this alteration remains unclear.

NM_006231.4(POLE):c.2194A>C (p.Lys732Gln)

Gene: POLE (DNA polymerase epsilon, catalytic subunit; minus strand). Cytogenetic location: 12q24.33.
Variant type: single nucleotide variant.
Coding change: c.2194A>C on transcript NM_006231.4 (MANE Select); coding-DNA position 2194, A replaced by C.
Protein change: p.Lys732Gln; replaces lysine 732 with glutamine.
Molecular consequence: missense variant.
Genome position (GRCh38, 1-based): chr12:132,667,628, T>G on the plus strand (A>C on the coding strand, the complement: POLE is on the minus strand). VCF-style: chr12-132667628-T-G. GRCh37 (hg19) VCF-style: chr12-133244214-T-G.
Other names: short protein forms K732Q.
Identifiers: ClinVar variation 3225409 (VCV003225409.1), dbSNP rs2042826959, ClinGen allele CA387352330.